The following is an entry in ClinVar:

ClinVar aggregate classification (germline): Benign (1 of 4 stars; one submission).

Allele frequency attached by ClinVar (database versions not stated): gnomAD 0.15281 and 0.16174; 1000 Genomes Project 30x 0.21846; 1000 Genomes Project 0.22125; TOPMed 0.15402; gnomAD exomes 0.19084; ExAC 0.24980.
gnomAD v4.1: 266,191 of 1,540,692 alleles (17%); highest among the groups gnomAD compares: South Asian, 34%; 25,496 homozygotes.

Submission:

GeneDx
Classification: Benign. Last evaluated: 2017-05-09. Review status: criteria provided, single submitter. Criteria: GeneDx Variant Classification (06012015). Collection method: clinical testing. Allele origin: germline. Affected: yes.
Comment: This variant is considered likely benign or benign based on one or more of the following criteria: it is a conservative change, it occurs at a poorly conserved position in the protein, it is predicted to be benign by multiple in silico algorithms, and/or has population frequency not consistent with disease.

NM_001114086.2(CLIC5):c.-21A>G

Gene: CLIC5 (CLIC family member 5; minus strand). Cytogenetic location: 6p21.1.
Variant type: single nucleotide variant.
Coding change: c.-21A>G on transcript NM_001114086.2; 21 bases upstream of the start codon, A replaced by G.
Molecular consequence: 5 prime UTR variant. On other transcripts: intron variant (1).
Genome position (GRCh38, 1-based): chr6:46,080,263, T>C on the plus strand (A>G on the coding strand, the complement: CLIC5 is on the minus strand). VCF-style: chr6-46080263-T-C. GRCh37 (hg19) VCF-style: chr6-46048000-T-C.
Other names: c.-21A>G (NM_001370650.1); c.-55+49241A>G (NM_001370649.1).
Identifiers: ClinVar variation 508560 (VCV000508560.3), dbSNP rs1416165, ClinGen allele CA3837009.